The following is an entry in ClinVar:

NM_014014.5(SNRNP200):c.705C>T (p.Val235=)

Gene: SNRNP200 (small nuclear ribonucleoprotein U5 subunit 200; minus strand). Cytogenetic location: 2q11.2.
Variant type: single nucleotide variant.
Coding change: c.705C>T on transcript NM_014014.5 (MANE Select); coding-DNA position 705, C replaced by T.
Protein change: p.Val235=; no amino-acid change (valine 235 retained).
Molecular consequence: synonymous variant.
Genome position (GRCh38, 1-based): chr2:96,299,353, G>A on the plus strand (C>T on the coding strand, the complement: SNRNP200 is on the minus strand). VCF-style: chr2-96299353-G-A. GRCh37 (hg19) VCF-style: chr2-96965091-G-A.
Other names: c.705C>T (NM_014014.4).
Identifiers: ClinVar variation 1156372 (VCV001156372.11), dbSNP rs148119575, ClinGen allele CA1779114.

ClinVar aggregate classification (germline): Likely benign. Review status: criteria provided, multiple submitters, no conflicts (2 of 4 stars). 3 submissions from 3 submitters: Likely benign (3). Last evaluated 2026-03-17.

Conditions:
SNRNP200-related disorder. Also called: SNRNP200-related condition.

Allele frequency attached by ClinVar (database versions not stated): gnomAD 0.00001 and 0.00003; TOPMed 0.00002; gnomAD exomes 0.00004 and 0.00008; ExAC 0.00008; ESP Exome Variant Server 0.00008.
gnomAD v4.1: 61 of 1,613,962 alleles (0.0038%); highest among the groups gnomAD compares: South Asian, 0.056%; no homozygotes.

Submissions (3):

PreventionGenetics, part of Exact Sciences
Classification: Likely benign for SNRNP200-related condition. Last evaluated: 2026-03-17. Review status: criteria provided, single submitter. Criteria: ACMG Guidelines, 2015. Collection method: clinical testing. Allele origin: germline.
Comment: This variant is classified as likely benign based on ACMG/AMP sequence variant interpretation guidelines (Richards et al. 2015 PMID: 25741868, with internal and published modifications).

Labcorp Genetics (formerly Invitae), Labcorp
Classification: Likely benign. Last evaluated: 2025-02-10. Review status: criteria provided, single submitter. Criteria: Invitae Variant Classification Sherloc (09022015). Collection method: clinical testing. Allele origin: germline.

Blueprint Genetics
Classification: Likely benign. Last evaluated: 2024-09-11. Review status: criteria provided, single submitter. Criteria: ACMG Guidelines, 2015. Collection method: clinical testing. Allele origin: germline.